The following is an entry in ClinVar:

ClinVar aggregate classification (germline): Uncertain significance (1 of 4 stars; one submission).

Allele frequency attached by ClinVar (database versions not stated): gnomAD exomes 0.00001; gnomAD 0.00002; ExAC 0.00003; TOPMed 0.00003.

Submission:

Labcorp Genetics (formerly Invitae), Labcorp
Classification: Uncertain significance. Last evaluated: 2021-11-28. Review status: criteria provided, single submitter. Criteria: Invitae Variant Classification Sherloc (09022015). Collection method: clinical testing. Allele origin: germline.
Comment: This variant has not been reported in the literature in individuals affected with CACNA1F-related conditions. This sequence change replaces arginine, which is basic and polar, with cysteine, which is neutral and slightly polar, at codon 932 of the CACNA1F protein (p.Arg932Cys). The frequency data for this variant in the population databases is considered unreliable, as metrics indicate poor data quality at this position in the gnomAD database. Algorithms developed to predict the effect of missense changes on protein structure and function are either unavailable or do not agree on the potential impact of this missense change (SIFT: "Deleterious"; PolyPhen-2: "Benign"; Align-GVGD: "Class C25"). In summary, the available evidence is currently insufficient to determine the role of this variant in disease. Therefore, it has been classified as a Variant of Uncertain Significance.

NM_001256789.3(CACNA1F):c.2761C>T (p.Arg921Cys)

Gene: CACNA1F (calcium voltage-gated channel subunit alpha1 F; minus strand). Cytogenetic location: Xp11.23.
Variant type: single nucleotide variant.
Coding change: c.2761C>T on transcript NM_001256789.3 (MANE Select); coding-DNA position 2761, C replaced by T.
Protein change: p.Arg921Cys; replaces arginine 921 with cysteine.
Molecular consequence: missense variant.
Genome position (GRCh38, 1-based): chrX:49,218,708, G>A on the plus strand (C>T on the coding strand, the complement: CACNA1F is on the minus strand). VCF-style: chrX-49218708-G-A. GRCh37 (hg19) VCF-style: chrX-49075167-G-A.
Other names: c.2599C>T, p.Arg867Cys (NM_001256790.3); c.2794C>T, p.Arg932Cys (NM_005183.4); short protein forms R932C, R921C, R867C.
Identifiers: ClinVar variation 1361275 (VCV001361275.6), dbSNP rs782143409, ClinGen allele CA10410599.